The following is an entry in ClinVar:

ClinVar aggregate classification (germline): Conflicting classifications of pathogenicity. Review status: criteria provided, conflicting classifications (1 of 4 stars). 12 submissions from 10 submitters: Uncertain significance (7); Likely benign (4). 1 of the submissions does not count toward it. Last evaluated 2026-01-26.

Conditions:
SPTA1-related disorder. Also called: SPTA1-related disorders; SPTA1-related condition.
Hereditary spherocytosis type 3. Also called: SPTA1-Related Spherocytosis; Spherocytosis type 3. Identifiers: Orphanet 822, MedGen C2678338, MONDO:0010053, OMIM 270970.
Pyropoikilocytosis, hereditary. Also called: Pyropoikilocytosis. Identifiers: MedGen C0520739, MONDO:0009948, OMIM 266140, HP:0004839. Disease mechanism: loss of function.
Elliptocytosis 2 (EL2). Also called: ELLIPTOCYTOSIS, RHESUS-UNLINKED TYPE. Identifiers: Orphanet 288, MedGen C1851741, MONDO:0007533, OMIM 130600.

Allele frequency attached by ClinVar (database versions not stated): 1000 Genomes Project 0.00020; 1000 Genomes Project 30x 0.00047; ESP Exome Variant Server 0.00123; TOPMed 0.00143; gnomAD exomes 0.00146 and 0.00200; ExAC 0.00150; gnomAD 0.00161 and 0.00162.
gnomAD v4.1: 3,147 of 1,613,920 alleles (0.19%); highest among the groups gnomAD compares: Middle Eastern, 0.23%; 4 homozygotes.

Submissions (12):

Labcorp Genetics (formerly Invitae), Labcorp
Classification: Likely benign. Last evaluated: 2026-01-26. Review status: criteria provided, single submitter. Criteria: Invitae Variant Classification Sherloc (09022015). Collection method: clinical testing. Allele origin: germline.

GeneDx
Classification: Uncertain significance. Last evaluated: 2025-11-04. Review status: criteria provided, single submitter. Criteria: GeneDx Variant Classification Process June 2021. Collection method: clinical testing. Allele origin: germline. Affected: yes.
Comment: Reported heterozygous in multiple individuals with elliptocytosis and/or hemolytic anemia, all of whom also harbored the alpha-Lely allele and one of whom also harbored another variant in SPTA1, but it is not known whether these variants occurred on the same (in cis) or on different (in trans) chromosomes (PMID: 37400730, 38103590); In silico analysis supports that this missense variant has a deleterious effect on protein structure/function; In silico analysis is inconclusive as to whether the variant alters gene splicing. In the absence of RNA/functional studies, the actual effect of this sequence change is unknown.; This variant is associated with the following publications: (PMID: 26264438, 16304353, 35961434, 37400730, 38103590)

CeGaT Center for Human Genetics Tuebingen
Classification: Likely benign. Last evaluated: 2025-11-01. Review status: criteria provided, single submitter. Criteria: CeGaT Center For Human Genetics Tuebingen Variant Classification Criteria Version 2. Collection method: clinical testing. Allele origin: germline. Affected: yes. Observed: 1 variant allele.
Comment: SPTA1: BS2

Mayo Clinic Laboratories, Mayo Clinic
Classification: Uncertain significance. Last evaluated: 2025-08-27. Review status: criteria provided, single submitter. Criteria: ACMG Guidelines, 2015. Collection method: clinical testing. Allele origin: germline. Observed: 18 variant alleles.
Comment: BP4, PM3

Center for Genomic Medicine, Rigshospitalet, Copenhagen University Hospital
Classification: Uncertain significance. Last evaluated: 2025-03-04. Review status: criteria provided, single submitter. Criteria: ACMG Guidelines, 2015. Collection method: clinical testing. Allele origin: germline.

Blueprint Genetics
Classification: Likely benign. Last evaluated: 2024-11-19. Review status: criteria provided, single submitter. Criteria: ACMG Guidelines, 2015. Collection method: clinical testing. Allele origin: germline.

ARUP Laboratories, Molecular Genetics and Genomics, ARUP Laboratories
Classification: Uncertain significance. Last evaluated: 2024-07-15. Review status: criteria provided, single submitter. Criteria: ARUP Molecular Germline Variant Investigation Process 2024. Collection method: clinical testing. Allele origin: germline.

Illumina Laboratory Services, Illumina
Classification: Likely benign for Elliptocytosis 2. Last evaluated: 2018-01-13. Review status: criteria provided, single submitter. Criteria: ICSL Variant Classification Criteria 13 December 2019. Collection method: clinical testing. Allele origin: germline.
Comment: This variant was observed in the ICSL laboratory as part of a predisposition screen in an ostensibly healthy population. It had not been previously curated by ICSL or reported in the Human Gene Mutation Database (HGMD: prior to June 1st, 2018), and was therefore a candidate for classification through an automated scoring system. Utilizing variant allele frequency, disease prevalence and penetrance estimates, and inheritance mode, an automated score was calculated to assess if this variant is too frequent to cause the disease. Based on the score and internal cut-off values, a variant classified as likely benign is not then subjected to further curation. The score for this variant resulted in a classification of likely benign for this disease.

Illumina Laboratory Services, Illumina
Classification: Uncertain significance for Hereditary spherocytosis type 3. Last evaluated: 2018-01-13. Review status: criteria provided, single submitter. Criteria: ICSL Variant Classification Criteria 13 December 2019. Collection method: clinical testing. Allele origin: germline.

Illumina Laboratory Services, Illumina
Classification: Uncertain significance for Pyropoikilocytosis, hereditary. Last evaluated: 2018-01-13. Review status: criteria provided, single submitter. Criteria: ICSL Variant Classification Criteria 13 December 2019. Collection method: clinical testing. Allele origin: germline.

Centre for Mendelian Genomics, University Medical Centre Ljubljana
Classification: Uncertain significance for Hereditary spherocytosis type 3. Last evaluated: 2016-01-01. Review status: criteria provided, single submitter. Criteria: ACMG Guidelines, 2015. Collection method: clinical testing. Allele origin: unknown. Affected: yes.
Comment: This variant was classified as: Uncertain significance. The following ACMG criteria were applied in classifying this variant: PP1,PP2,PP4.

PreventionGenetics, part of Exact Sciences
Classification: Likely benign for SPTA1-related condition. Last evaluated: 2022-04-04. Review status: no assertion criteria provided. Collection method: clinical testing. Allele origin: germline. Not counted in ClinVar's aggregate classification.
Comment: This variant is classified as likely benign based on ACMG/AMP sequence variant interpretation guidelines (Richards et al. 2015 PMID: 25741868, with internal and published modifications).

Literature cited by the submitters: PubMed 35961434 (cited by Mayo Clinic Laboratories, Mayo Clinic); PubMed 37400730 (cited by Mayo Clinic Laboratories, Mayo Clinic).

NM_003126.4(SPTA1):c.7104G>T (p.Lys2368Asn)

Gene: SPTA1 (spectrin alpha, erythrocytic 1; minus strand). Cytogenetic location: 1q23.1.
Variant type: single nucleotide variant.
Coding change: c.7104G>T on transcript NM_003126.4 (MANE Select); coding-DNA position 7104, G replaced by T.
Protein change: p.Lys2368Asn; replaces lysine 2368 with asparagine.
Molecular consequence: missense variant.
Genome position (GRCh38, 1-based): chr1:158,612,847, C>A on the plus strand (G>T on the coding strand, the complement: SPTA1 is on the minus strand). VCF-style: chr1-158612847-C-A. GRCh37 (hg19) VCF-style: chr1-158582637-C-A.
Other names: short protein forms K2368N.
Identifiers: ClinVar variation 292936 (VCV000292936.45), dbSNP rs112884419, ClinGen allele CA1181728.